The following is an entry in ClinVar:

NM_000179.3(MSH6):c.4029_4031dup (p.Thr1344dup)

Gene: MSH6 (mutS homolog 6; plus strand). Cytogenetic location: 2p16.3.
Variant type: Duplication.
Coding change: c.4029_4031dup on transcript NM_000179.3 (MANE Select); coding-DNA positions 4029 to 4031, 3 bases duplicated (AAC; older notation c.4029_4031dupAAC).
Protein change: p.Thr1344dup; duplicates threonine 1344.
Molecular consequence: inframe insertion.
Genome position (GRCh38, 1-based): chr2:47,806,806-47,806,808, AAC duplicated; duplicating any 3 consecutive bases within chr2:47,806,805-47,806,808 gives the same sequence; the c. name uses the placement nearest the transcript's 3' end. VCF-style (leftmost placement, unchanged base first): chr2-47806804-T-TCAA. GRCh37 (hg19) VCF-style: chr2-48033943-T-TCAA.
Other names: c.3639_3641dup, p.Thr1214dup (NM_001281492.2); c.3123_3125dup, p.Thr1042dup (NM_001281493.2, NM_001281494.2); c.4029_4031dupAAC (NM_000179.2).
Identifiers: ClinVar variation 641995 (VCV000641995.13), dbSNP rs772655560, ClinGen allele CA072818.

ClinVar aggregate classification (germline): Uncertain significance. Review status: criteria provided, multiple submitters, no conflicts (2 of 4 stars). 3 submissions from 3 submitters: Uncertain significance (3). Last evaluated 2025-01-07.

Conditions:
Mismatch repair cancer syndrome 3. Identifiers: MedGen C5436807, MONDO:0030841, OMIM 619097.
Endometrial carcinoma. Also called: Endometrial carcinoma, somatic. Identifiers: MedGen C0476089, MONDO:0002447, OMIM 608089, HP:0012114.
Lynch syndrome 5 (LYNCH5). Also called: Hereditary non-polyposis colorectal cancer, type 5; Colorectal cancer, hereditary nonpolyposis, type 5. Identifiers: Orphanet 144, MedGen C1833477, MONDO:0013710, OMIM 614350. Disease mechanism: loss of function.
Hereditary nonpolyposis colorectal neoplasms. Identifiers: MedGen C0009405, MeSH D003123.
Hereditary cancer-predisposing syndrome. Also called: Neoplastic Syndromes, Hereditary; Tumor predisposition; Hereditary neoplastic syndrome; Hereditary Cancer Syndrome. Identifiers: Orphanet 140162, MedGen C0027672, MeSH D009386, MONDO:0015356.

Submissions (3):

Ambry Genetics
Classification: Uncertain significance for Hereditary cancer-predisposing syndrome. Last evaluated: 2025-01-07. Review status: criteria provided, single submitter. Criteria: Ambry Variant Classification Scheme 2023. Collection method: clinical testing. Allele origin: germline.
Comment: The c.4029_4031dupAAC variant (also known as p.T1344dup), located in coding exon 10 of the MSH6 gene, results from an in-frame duplication of AAC at nucleotide positions 4029 to 4031. This results in the duplication of an extra threonine residue between codons 1344 and 1345. This amino acid position is not well conserved in available vertebrate species. In addition, this alteration is predicted to be neutral by in silico analysis (Choi Y et al. PLoS ONE. 2012; 7(10):e46688). Since supporting evidence is limited at this time, the clinical significance of this alteration remains unclear.

Labcorp Genetics (formerly Invitae), Labcorp
Classification: Uncertain significance for Hereditary nonpolyposis colorectal neoplasms. Last evaluated: 2022-05-19. Review status: criteria provided, single submitter. Criteria: Invitae Variant Classification Sherloc (09022015). Collection method: clinical testing. Allele origin: germline.
Comment: In summary, the available evidence is currently insufficient to determine the role of this variant in disease. Therefore, it has been classified as a Variant of Uncertain Significance. Experimental studies and prediction algorithms are not available or were not evaluated, and the functional significance of this variant is currently unknown. ClinVar contains an entry for this variant (Variation ID: 641995). This variant has not been reported in the literature in individuals affected with MSH6-related conditions. This variant is present in population databases (rs772655560, gnomAD 0.007%). This variant, c.4029_4031dup, results in the insertion of 1 amino acid(s) of the MSH6 protein (p.Thr1344dup), but otherwise preserves the integrity of the reading frame.

Fulgent Genetics
Classification: Uncertain significance for Endometrial carcinoma; Lynch syndrome 5; Mismatch repair cancer syndrome 3. Last evaluated: 2021-10-14. Review status: criteria provided, single submitter. Criteria: ACMG Guidelines, 2015. Collection method: clinical testing. Allele origin: unknown.